The following is an entry in ClinVar:

ClinVar aggregate classification (germline): Uncertain significance (1 of 4 stars; one submission).

Submission:

Ambry Genetics
Classification: Uncertain significance. Last evaluated: 2025-11-08. Review status: criteria provided, single submitter. Criteria: Ambry Variant Classification Scheme 2023. Collection method: clinical testing. Allele origin: germline.
Comment: The p.V153A variant (also known as c.458T>C), located in coding exon 5 of the RAD51B gene, results from a T to C substitution at nucleotide position 458. The valine at codon 153 is replaced by alanine, an amino acid with similar properties. This amino acid position is conserved. In addition, this alteration is predicted to be tolerated by in silico analysis. Based on the available evidence, the clinical significance of this variant remains unclear.

NM_133510.4(RAD51B):c.458T>C (p.Val153Ala)

Gene: RAD51B (RAD51 paralog B; plus strand). Cytogenetic location: 14q24.1.
Variant type: single nucleotide variant.
Coding change: c.458T>C on transcript NM_133510.4 (MANE Select); coding-DNA position 458, T replaced by C.
Protein change: p.Val153Ala; replaces valine 153 with alanine.
Molecular consequence: missense variant.
Genome position (GRCh38, 1-based): chr14:67,885,874, T>C. VCF-style: chr14-67885874-T-C. GRCh37 (hg19) VCF-style: chr14-68352591-T-C.
Other names: c.458T>C, p.Val153Ala (NM_001321809.2, NM_001321810.2, NM_001321812.1 and 6 more transcripts); c.344T>C, p.Val115Ala (NM_001321815.1); c.101T>C, p.Val34Ala (NM_001321817.2); short protein forms V115A, V34A, V153A.
Identifiers: ClinVar variation 4575311 (VCV004575311.1).